The following is an entry in ClinVar:

NM_001039958.2(MESP2):c.20_33del (p.Pro7fs)

Gene: MESP2 (mesoderm posterior bHLH transcription factor 2; plus strand). Cytogenetic location: 15q26.1.
Variant type: Deletion.
Coding change: c.20_33del on transcript NM_001039958.2 (MANE Select); coding-DNA positions 20 to 33, 14 bases deleted (CGCAGAGCCTCCTC).
Protein change: p.Pro7fs; shifts the reading frame from proline 7.
Molecular consequence: frameshift variant.
Genome position (GRCh38, 1-based): chr15:89,776,377-89,776,390, CGCAGAGCCTCCTC deleted; deleting any 14 consecutive bases within chr15:89,776,369-89,776,390 gives the same sequence; the c. name uses the placement nearest the transcript's 3' end. VCF-style (leftmost placement, unchanged base first): chr15-89776368-CGCCTCCTCCGCAGA-C. GRCh37 (hg19) VCF-style: chr15-90319599-CGCCTCCTCCGCAGA-C.
Other names: short protein forms P7fs.
Identifiers: ClinVar variation 1452062 (VCV001452062.6), dbSNP rs2141773765, ClinGen allele CA2573151365.

ClinVar aggregate classification (germline): Pathogenic (1 of 4 stars; one submission).

Submission:

Labcorp Genetics (formerly Invitae), Labcorp
Classification: Pathogenic. Last evaluated: 2021-11-24. Review status: criteria provided, single submitter. Criteria: Invitae Variant Classification Sherloc (09022015). Collection method: clinical testing. Allele origin: germline.
Comment: For these reasons, this variant has been classified as Pathogenic. This variant disrupts a region of the MESP2 protein in which other variant(s) (p.Pro110Alafs*258) have been determined to be pathogenic (Invitae). This suggests that this is a clinically significant region of the protein, and that variants that disrupt it are likely to be disease-causing. This variant has not been reported in the literature in individuals affected with MESP2-related conditions. This variant is not present in population databases (gnomAD no frequency). This sequence change creates a premature translational stop signal (p.Pro7Argfs*355) in the MESP2 gene. While this is not anticipated to result in nonsense mediated decay, it is expected to disrupt the last 391 amino acid(s) of the MESP2 protein.